The following is an entry in ClinVar:

NM_000090.4(COL3A1):c.3151C>T (p.Pro1051Ser)

Gene: COL3A1 (collagen type III alpha 1 chain; plus strand). Cytogenetic location: 2q32.2.
Variant type: single nucleotide variant.
Coding change: c.3151C>T on transcript NM_000090.4 (MANE Select); coding-DNA position 3151, C replaced by T.
Protein change: p.Pro1051Ser; replaces proline 1051 with serine.
Molecular consequence: missense variant.
Genome position (GRCh38, 1-based): chr2:189,006,402, C>T. VCF-style: chr2-189006402-C-T. GRCh37 (hg19) VCF-style: chr2-189871128-C-T.
Other names: short protein forms P1051S.
Identifiers: ClinVar variation 3626307 (VCV003626307.2).

ClinVar aggregate classification (germline): Uncertain significance (1 of 4 stars; one submission).

Conditions:
Ehlers-Danlos syndrome, type 4 (EDSVASC). Also called: Ehlers-Danlos syndrome vascular type; Ehlers Danlos syndrome, ecchymotic type; Ehlers Danlos syndrome, arterial type; Ehlers Danlos syndrome, Sack-Barabas type; Ehlers-Danlos Syndrome Type IV. Identifiers: Orphanet 286, MedGen C0268338, MONDO:0017314, OMIM 130050.

gnomAD v4.1: 1 of 1,614,086 alleles (0.000062%); highest among the groups gnomAD compares: Admixed American, 0.0017%; no homozygotes.

Submission:

Labcorp Genetics (formerly Invitae), Labcorp
Classification: Uncertain significance for Ehlers-Danlos syndrome, type 4. Last evaluated: 2024-11-29. Review status: criteria provided, single submitter. Criteria: Invitae Variant Classification Sherloc (09022015). Collection method: clinical testing. Allele origin: germline.
Comment: This sequence change replaces proline, which is neutral and non-polar, with serine, which is neutral and polar, at codon 1051 of the COL3A1 protein (p.Pro1051Ser). This variant is not present in population databases (gnomAD no frequency). This variant has not been reported in the literature in individuals affected with COL3A1-related conditions. Invitae Evidence Modeling of protein sequence and biophysical properties (such as structural, functional, and spatial information, amino acid conservation, physicochemical variation, residue mobility, and thermodynamic stability) indicates that this missense variant is not expected to disrupt COL3A1 protein function with a negative predictive value of 95%. In summary, the available evidence is currently insufficient to determine the role of this variant in disease. Therefore, it has been classified as a Variant of Uncertain Significance.